The following is an entry in ClinVar:

ClinVar aggregate classification (germline): Likely pathogenic (1 of 4 stars; one submission).

Conditions:
Primary ciliary dyskinesia 3. Identifiers: Orphanet 244, MedGen C1837618, MONDO:0012085, OMIM 608644.

Submission:

Myriad Genetics, Inc.
Classification: Likely pathogenic for Primary ciliary dyskinesia 3. Last evaluated: 2022-03-10. Review status: criteria provided, single submitter. Criteria: Myriad Women's Health Autosomal Recessive and X-Linked Classification Criteria (2021). Collection method: clinical testing. Allele origin: unknown.
Comment: NM_001369.2(DNAH5):c.4874G>A(W1625*) is expected to be pathogenic in the context of DNAH5-related primary ciliary dyskinesia. This variant is predicted to lead to an abnormal or absent protein product due to the creation of a premature termination codon in DNAH5, a gene where loss-of-function variants are known to be pathogenic. Please note: this variant was assessed in the context of healthy population screening.

NM_001369.3(DNAH5):c.4874G>A (p.Trp1625Ter)

Genes: DNAH5 (dynein axonemal heavy chain 5; minus strand), LOC126807318 (MED14-independent group 3 enhancer GRCh37_chr5:13858976-13860175; plus strand). Cytogenetic location: 5p15.2.
Variant type: single nucleotide variant.
Coding change: c.4874G>A on transcript NM_001369.3 (MANE Select); coding-DNA position 4874, G replaced by A.
Protein change: p.Trp1625Ter; replaces tryptophan 1625 with a stop codon.
Molecular consequence: nonsense.
Genome position (GRCh38, 1-based): chr5:13,859,528, C>T on the plus strand (G>A on the coding strand, the complement: DNAH5 is on the minus strand). VCF-style: chr5-13859528-C-T. GRCh37 (hg19) VCF-style: chr5-13859637-C-T.
Other names: short protein forms W1625*.
Identifiers: ClinVar variation 1725155 (VCV001725155.3), dbSNP rs2546965500, ClinGen allele CA359219792.